The following is an entry in ClinVar:

NM_001040142.2(SCN2A):c.3210C>G (p.Asp1070Glu)

Gene: SCN2A (sodium voltage-gated channel alpha subunit 2; plus strand). Cytogenetic location: 2q24.3.
Variant type: single nucleotide variant.
Coding change: c.3210C>G on transcript NM_001040142.2 (MANE Select); coding-DNA position 3210, C replaced by G.
Protein change: p.Asp1070Glu; replaces aspartic acid 1070 with glutamic acid.
Molecular consequence: missense variant.
Genome position (GRCh38, 1-based): chr2:165,354,482, C>G. VCF-style: chr2-165354482-C-G. GRCh37 (hg19) VCF-style: chr2-166210992-C-G.
Other names: c.3210C>G, p.Asp1070Glu (NM_001040143.2, NM_001371246.1, NM_001371247.1 and 1 more transcripts); short protein forms D1070E.
Identifiers: ClinVar variation 849995 (VCV000849995.10), dbSNP rs187731029, ClinGen allele CA349021266.

ClinVar aggregate classification (germline): Uncertain significance (1 of 4 stars; one submission).

Conditions:
Seizures, benign familial infantile, 3 (BFIS3). Also called: CONVULSIONS, BENIGN FAMILIAL INFANTILE, 3; Familial neonatal seizures. Identifiers: Orphanet 140927, Orphanet 306, MedGen C1843140, MONDO:0011904, OMIM 607745.
Developmental and epileptic encephalopathy, 11 (DEE11). Also called: Early infantile epileptic encephalopathy 11. Identifiers: Orphanet 1934, MedGen C3150987, MONDO:0013388, OMIM 613721.

Submission:

Labcorp Genetics (formerly Invitae), Labcorp
Classification: Uncertain significance for Seizures, benign familial infantile, 3; Developmental and epileptic encephalopathy, 11. Last evaluated: 2019-05-21. Review status: criteria provided, single submitter. Criteria: Invitae Variant Classification Sherloc (09022015). Collection method: clinical testing. Allele origin: germline.
Comment: In summary, the available evidence is currently insufficient to determine the role of this variant in disease. Therefore, it has been classified as a Variant of Uncertain Significance. Algorithms developed to predict the effect of missense changes on protein structure and function (SIFT, PolyPhen-2, Align-GVGD) all suggest that this variant is likely to be tolerated, but these predictions have not been confirmed by published functional studies and their clinical significance is uncertain. This variant has not been reported in the literature in individuals with SCN2A-related conditions. This variant is not present in population databases (ExAC no frequency). This sequence change replaces aspartic acid with glutamic acid at codon 1070 of the SCN2A protein (p.Asp1070Glu). The aspartic acid residue is highly conserved and there is a small physicochemical difference between aspartic acid and glutamic acid.